The following is an entry in ClinVar:

ClinVar aggregate classification (germline): Likely pathogenic (1 of 4 stars; one submission).

Allele frequency attached by ClinVar (database versions not stated): gnomAD exomes below 0.00001; ExAC 0.00001.
gnomAD v4.1: 3 of 1,558,778 alleles (0.00019%); highest among the groups gnomAD compares: Non-Finnish European, 0.000089%; no homozygotes.

Submission:

Labcorp Genetics (formerly Invitae), Labcorp
Classification: Likely pathogenic. Last evaluated: 2021-05-31. Review status: criteria provided, single submitter. Criteria: Invitae Variant Classification Sherloc (09022015). Collection method: clinical testing. Allele origin: germline.
Comment: In summary, the currently available evidence indicates that the variant is pathogenic, but additional data are needed to prove that conclusively. Therefore, this variant has been classified as Likely Pathogenic. Algorithms developed to predict the effect of sequence changes on RNA splicing suggest that this variant may disrupt the consensus splice site, but this prediction has not been confirmed by published transcriptional studies. This variant has not been reported in the literature in individuals with MED17-related conditions. This variant is present in population databases (rs757890568, ExAC no frequency). This sequence change affects a donor splice site in intron 10 of the MED17 gene. It is expected to disrupt RNA splicing. Variants that disrupt the donor or acceptor splice site typically lead to a loss of protein function (PMID: 16199547), and loss-of-function variants in MED17 are known to be pathogenic (PMID: 20950787, 26004231, 30345598).

Literature cited by the submitters: PubMed 16199547; PubMed 20950787; PubMed 26004231; PubMed 30345598.

NM_004268.5(MED17):c.1584+1G>C

Gene: MED17 (mediator complex subunit 17; plus strand). Cytogenetic location: 11q21.
Variant type: single nucleotide variant.
Coding change: c.1584+1G>C on transcript NM_004268.5 (MANE Select); the canonical splice donor site of the intron after coding-DNA position 1584, G replaced by C.
Molecular consequence: splice donor variant.
Genome position (GRCh38, 1-based): chr11:93,807,636, G>C. VCF-style: chr11-93807636-G-C. GRCh37 (hg19) VCF-style: chr11-93540802-G-C.
Identifiers: ClinVar variation 1516781 (VCV001516781.9), dbSNP rs757890568, ClinGen allele CA6232655.
Genomic context (GRCh38, chr11:93,807,636, plus strand): 5'-GGAAGAGTAATTACACTGTCTTATCAGGAGCAGGAGCTACAGGATTTTCTTCTGTCTCAG[G>C]TAACAGTTGCAGATTTTGTCTTAAGCCCCCTTCTTCGCATAGCTACTTAAAGAACAAATT-3'